The following is an entry in ClinVar:

NM_000018.4(ACADVL):c.1599C>T (p.Gly533=)

Gene: ACADVL (acyl-CoA dehydrogenase very long chain; plus strand). Cytogenetic location: 17p13.1.
Variant type: single nucleotide variant.
Coding change: c.1599C>T on transcript NM_000018.4 (MANE Select); coding-DNA position 1599, C replaced by T.
Protein change: p.Gly533=; no amino-acid change (glycine 533 retained).
Molecular consequence: synonymous variant.
Genome position (GRCh38, 1-based): chr17:7,224,387, C>T. VCF-style: chr17-7224387-C-T. GRCh37 (hg19) VCF-style: chr17-7127706-C-T.
Other names: c.1533C>T, p.Gly511= (NM_001033859.3); c.1668C>T, p.Gly556= (NM_001270447.2); c.1371C>T, p.Gly457= (NM_001270448.2).
Identifiers: ClinVar variation 1011966 (VCV001011966.16), dbSNP rs779770406, ClinGen allele CA8338165.

ClinVar aggregate classification (germline): Conflicting classifications of pathogenicity. Review status: criteria provided, conflicting classifications (1 of 4 stars). 5 submissions from 5 submitters: Uncertain significance (2); Likely benign (2). 1 of the submissions does not count toward it. Last evaluated 2025-12-22.

Conditions:
Very long chain acyl-CoA dehydrogenase deficiency (ACADVLD). Also called: Very Long-Chain Acyl-Coenzyme A Dehydrogenase Deficiency; VLCAD Deficiency. Identifiers: Orphanet 26793, MedGen C3887523, MONDO:0008723, OMIM 201475.

Allele frequency attached by ClinVar (database versions not stated): gnomAD 0.00001; gnomAD exomes 0.00001; TOPMed 0.00001; ExAC 0.00002.
gnomAD v4.1: 29 of 1,613,570 alleles (0.0018%); highest among the groups gnomAD compares: Middle Eastern, 0.033%; no homozygotes.

Submissions (5):

Labcorp Genetics (formerly Invitae), Labcorp
Classification: Likely benign for Very long chain acyl-CoA dehydrogenase deficiency. Last evaluated: 2025-12-22. Review status: criteria provided, single submitter. Criteria: Invitae Variant Classification Sherloc (09022015). Collection method: clinical testing. Allele origin: germline.

Women's Health and Genetics/Laboratory Corporation of America, LabCorp
Classification: Likely benign. Last evaluated: 2025-02-19. Review status: criteria provided, single submitter. Criteria: LabCorp Variant Classification Summary - May 2015. Collection method: clinical testing. Allele origin: germline.

Blueprint Genetics
Classification: Uncertain significance. Last evaluated: 2024-10-17. Review status: criteria provided, single submitter. Criteria: ACMG Guidelines, 2015. Collection method: clinical testing. Allele origin: germline.

GeneDx
Classification: Uncertain significance. Last evaluated: 2019-11-25. Review status: criteria provided, single submitter. Criteria: GeneDx Variant Classification Process June 2021. Collection method: clinical testing. Allele origin: germline. Affected: yes.
Comment: Has not been previously published as pathogenic or benign to our knowledge; In silico analysis, which includes splice predictors and evolutionary conservation, suggests this variant may impact gene splicing. In the absence of RNA/functional studies, the actual effect of this sequence change is unknown.

Natera, Inc.
Classification: Uncertain significance for Very long chain acyl-CoA dehydrogenase deficiency. Last evaluated: 2020-01-24. Review status: no assertion criteria provided. Collection method: clinical testing. Allele origin: germline. Not counted in ClinVar's aggregate classification.